The following is an entry in ClinVar:

NM_145046.5(CALR3):c.564del (p.Gln189fs)

Gene: CALR3 (calreticulin 3; minus strand). Cytogenetic location: 19p13.11.
Variant type: Deletion.
Coding change: c.564del on transcript NM_145046.5 (MANE Select); coding-DNA position 564, one base deleted (T; older notation c.564delT).
Protein change: p.Gln189fs; shifts the reading frame from glutamine 189.
Molecular consequence: frameshift variant.
Genome position (GRCh38, 1-based): chr19:16,484,044, A deleted on the plus strand (T on the coding strand, the reverse complement: CALR3 is on the minus strand). VCF-style (leftmost placement, unchanged base first): chr19-16484043-GA-G. GRCh37 (hg19) VCF-style: chr19-16594854-GA-G.
Other names: c.564delT (NM_145046.4); short protein forms Q189fs.
Identifiers: ClinVar variation 518292 (VCV000518292.20), dbSNP rs747656642, ClinGen allele CA9278349.

ClinVar aggregate classification (germline): Conflicting classifications of pathogenicity. Review status: criteria provided, conflicting classifications (1 of 4 stars). 8 submissions from 7 submitters: Pathogenic (1); Uncertain significance (3). 4 of the submissions do not count toward it. Last evaluated 2025-10-14.

Conditions:
Hypertrophic cardiomyopathy 19. Also called: Familial hypertrophic cardiomyopathy 19. Identifiers: MedGen CN077603, MONDO:0013476.

Allele frequency attached by ClinVar (database versions not stated): ExAC 0.00004; gnomAD exomes 0.00008 and 0.00013; TOPMed 0.00009; gnomAD 0.00011 and 0.00012.

Submissions (8):

Labcorp Genetics (formerly Invitae), Labcorp
Classification: Uncertain significance for Hypertrophic cardiomyopathy 19. Last evaluated: 2025-10-14. Review status: criteria provided, single submitter. Criteria: Invitae Variant Classification Sherloc (09022015). Collection method: clinical testing. Allele origin: germline.
Comment: This sequence change creates a premature translational stop signal (p.Gln189Serfs*8) in the CALR3 gene. It is expected to result in an absent or disrupted protein product. However, the current clinical and genetic evidence is not sufficient to establish whether loss-of-function variants in CALR3 cause disease. This variant is present in population databases (rs747656642, gnomAD 0.02%). This premature translational stop signal has been observed in individual(s) with hypertrophic cardiomyopathy, dilated cardiomyopathy, and left ventricular non-compaction (PMID: 29988065). ClinVar contains an entry for this variant (Variation ID: 518292). Algorithms developed to predict the effect of sequence changes on RNA splicing suggest that this variant may disrupt the consensus splice site. In summary, the available evidence is currently insufficient to determine the role of this variant in disease. Therefore, it has been classified as a Variant of Uncertain Significance.

AiLife Diagnostics
Classification: Uncertain significance. Last evaluated: 2021-11-23. Review status: criteria provided, single submitter. Criteria: ACMG Guidelines, 2015. Collection method: clinical testing. Allele origin: germline. Affected: yes. Observed: 1 variant allele.

Genome Diagnostics Laboratory, University Medical Center Utrecht
Classification: Uncertain significance for Hypertrophic cardiomyopathy 1. Last evaluated: 2017-01-17. Review status: criteria provided, single submitter. Criteria: ACGS Guidelines, 2013. Collection method: clinical testing. Allele origin: germline. Affected: yes. Study: VKGL Data-share Consensus.

Clinical Genetics DNA and cytogenetics Diagnostics Lab, Erasmus MC, Erasmus Medical Center
Classification: Pathogenic for Hypertrophic cardiomyopathy 1. Last evaluated: 2015-09-21. Review status: criteria provided, single submitter. Criteria: ACGS Guidelines, 2013. Collection method: clinical testing. Allele origin: germline. Affected: yes. Study: VKGL Data-share Consensus.

Clinical Genetics DNA and cytogenetics Diagnostics Lab, Erasmus MC, Erasmus Medical Center
Classification: Uncertain significance. Review status: no assertion criteria provided. Collection method: clinical testing. Allele origin: germline. Affected: yes. Study: VKGL Data-share Consensus. Not counted in ClinVar's aggregate classification.

Clinical Genetics, Academic Medical Center
Classification: Uncertain significance. Review status: no assertion criteria provided. Collection method: clinical testing. Allele origin: germline. Affected: yes. Study: VKGL Data-share Consensus. Not counted in ClinVar's aggregate classification.

Diagnostic Laboratory, Department of Genetics, University Medical Center Groningen
Classification: Uncertain significance for Hypertrophic cardiomyopathy 1. Review status: no assertion criteria provided. Collection method: clinical testing. Allele origin: germline. Affected: yes. Study: VKGL Data-share Consensus. Not counted in ClinVar's aggregate classification.

Joint Genome Diagnostic Labs from Nijmegen and Maastricht, Radboudumc and MUMC+
Classification: Uncertain significance. Review status: no assertion criteria provided. Collection method: clinical testing. Allele origin: germline. Affected: yes. Study: VKGL Data-share Consensus. Not counted in ClinVar's aggregate classification.

Literature cited by the submitters: PubMed 29988065 (cited by Labcorp Genetics (formerly Invitae), Labcorp).